The following is an entry in ClinVar:

NM_001843.4(CNTN1):c.2711-17A>G

Gene: CNTN1 (contactin 1; plus strand). Cytogenetic location: 12q12.
Variant type: single nucleotide variant.
Coding change: c.2711-17A>G on transcript NM_001843.4 (MANE Select); 17 bases into the intron before coding-DNA position 2711, A replaced by G.
Molecular consequence: intron variant.
Genome position (GRCh38, 1-based): chr12:41,027,840, A>G. VCF-style: chr12-41027840-A-G. GRCh37 (hg19) VCF-style: chr12-41421642-A-G.
Other names: c.2678-17A>G (NM_175038.2).
Identifiers: ClinVar variation 258196 (VCV000258196.11), dbSNP rs12367345, ClinGen allele CA6517214.

ClinVar aggregate classification (germline): Benign. Review status: criteria provided, multiple submitters, no conflicts (2 of 4 stars). 4 submissions from 4 submitters: Benign (4). Last evaluated 2026-02-03.

Conditions:
Compton-North congenital myopathy (CMYO12). Identifiers: Orphanet 210163, MedGen C2675527, MONDO:0012929, OMIM 612540.

Allele frequency attached by ClinVar (database versions not stated): 1000 Genomes Project 0.07847; TOPMed 0.11325; ESP Exome Variant Server 0.12064; ExAC 0.12736; gnomAD exomes 0.14749 and 0.12809; 1000 Genomes Project 30x 0.08089; gnomAD 0.12037 and 0.12247.
gnomAD v4.1: 215,293 of 1,492,160 alleles (14%); highest among the groups gnomAD compares: Non-Finnish European, 16%; 16,623 homozygotes.

Submissions (4):

Labcorp Genetics (formerly Invitae), Labcorp
Classification: Benign for Compton-North congenital myopathy. Last evaluated: 2026-02-03. Review status: criteria provided, single submitter. Criteria: Invitae Variant Classification Sherloc (09022015). Collection method: clinical testing. Allele origin: germline.

GeneDx
Classification: Benign. Last evaluated: 2016-02-08. Review status: criteria provided, single submitter. Criteria: GeneDx Variant Classification (06012015). Collection method: clinical testing. Allele origin: germline. Affected: yes.
Comment: This variant is considered likely benign or benign based on one or more of the following criteria: it is a conservative change, it occurs at a poorly conserved position in the protein, it is predicted to be benign by multiple in silico algorithms, and/or has population frequency not consistent with disease.

Breakthrough Genomics
Classification: Benign. Review status: criteria provided, single submitter. Criteria: ACMG Guidelines, 2015. Collection method: not provided. Allele origin: germline. Inheritance: Autosomal recessive inheritance. Affected: yes.

PreventionGenetics, part of Exact Sciences
Classification: Benign. Review status: criteria provided, single submitter. Criteria: ACMG Guidelines, 2015. Collection method: clinical testing. Allele origin: germline.